The following is an entry in ClinVar:

ClinVar aggregate classification (germline): Likely pathogenic (1 of 4 stars; one submission).

Submission:

Dasa
Classification: Likely pathogenic. Last evaluated: 2025-12-01. Review status: criteria provided, single submitter. Criteria: DASA Assertion Criteria. Collection method: clinical testing. Allele origin: germline.
Comment: NM_182758.4(WDR72):c.185C>G (p.Ser62*) is a nonsense variant in WDR72 predicted to introduce a premature termination codon and is predicted to result in an absent or altered protein product. Loss of function is an established disease mechanism for WDR72-associated disorders. Also, this variant is absent from population databases. Based on the currently available evidence, this variant is classified as likely pathogenic.

NM_182758.4(WDR72):c.185C>G (p.Ser62Ter)

Gene: WDR72 (WD repeat domain 72; minus strand). Cytogenetic location: 15q21.3.
Variant type: single nucleotide variant.
Coding change: c.185C>G on transcript NM_182758.4 (MANE Select); coding-DNA position 185, C replaced by G.
Protein change: p.Ser62Ter; replaces serine 62 with a stop codon.
Molecular consequence: nonsense. On other transcripts: non-coding transcript variant (1).
Genome position (GRCh38, 1-based): chr15:53,722,877, G>C on the plus strand (C>G on the coding strand, the complement: WDR72 is on the minus strand). VCF-style: chr15-53722877-G-C. GRCh37 (hg19) VCF-style: chr15-54015074-G-C.
Other names: short protein forms S62*.
Identifiers: ClinVar variation 4852616 (VCV004852616.2).